The following is an entry in ClinVar:

NM_000020.3(ACVRL1):c.623_624del (p.Val208fs)

Gene: ACVRL1 (activin A receptor like type 1; plus strand). Cytogenetic location: 12q13.13.
Variant type: Microsatellite.
Coding change: c.623_624del on transcript NM_000020.3 (MANE Select); coding-DNA positions 623 to 624, 2 bases deleted (TG; older notation c.623_624delTG).
Protein change: p.Val208fs; shifts the reading frame from valine 208.
Molecular consequence: frameshift variant.
Genome position (GRCh38, 1-based): chr12:51,914,071-51,914,072, TG deleted; deleting any 2 consecutive bases within chr12:51,914,066-51,914,072 gives the same sequence; the c. name uses the placement nearest the transcript's 3' end. VCF-style (leftmost placement, unchanged base first): chr12-51914065-AGT-A. GRCh37 (hg19) VCF-style: chr12-52307849-AGT-A.
Other names: c.623_624delTG (NM_000020.2); c.623_624del, p.Val208fs (NM_001077401.2); short protein forms V208fs.
Identifiers: ClinVar variation 411305 (VCV000411305.6), dbSNP rs1060503240, ClinGen allele CA16614048.

ClinVar aggregate classification (germline): Pathogenic (1 of 4 stars; one submission).

Conditions:
Telangiectasia, hereditary hemorrhagic, type 2 (HHT2). Also called: ACVRL1-Related Hereditary Hemorrhagic Telangiectasia; Telangiectasia, hereditary hemorrhagic, type II. Identifiers: Orphanet 774, MedGen C1838163, MONDO:0010880, OMIM 600376. Disease mechanism: loss of function.

Submission:

Labcorp Genetics (formerly Invitae), Labcorp
Classification: Pathogenic for Telangiectasia, hereditary hemorrhagic, type 2. Last evaluated: 2016-12-24. Review status: criteria provided, single submitter. Criteria: Invitae Variant Classification Sherloc (09022015). Collection method: clinical testing. Allele origin: germline.
Comment: This sequence change deletes 2 nucleotides from exon 5 of the ACVRL1 mRNA (c.623_624delTG), causing a frameshift at codon 208. This creates a premature translational stop signal (p.Val208Glyfs*16) and is expected to result in an absent or disrupted protein product. While this particular variant has not been reported in the literature, loss-of-function variants in ACVRL1 are known to be pathogenic (PMID: 15879500). For these reasons, this variant has been classified as Pathogenic.

Literature cited by the submitters: PubMed 15879500.